The following is an entry in ClinVar:

ClinVar aggregate classification (germline): Likely pathogenic (1 of 4 stars; one submission).

Conditions:
MHC class II deficiency. Also called: Bare lymphocyte syndrome 2; BLS, TYPE II. Identifiers: Orphanet 572, MedGen C5447452, MONDO:0008855.

Allele frequency attached by ClinVar (database versions not stated): gnomAD exomes below 0.00001; gnomAD 0.00001.
gnomAD v4.1: 2 of 1,614,050 alleles (0.00012%); highest among the groups gnomAD compares: Non-Finnish European, 0.00017%; no homozygotes.

Submission:

Labcorp Genetics (formerly Invitae), Labcorp
Classification: Likely pathogenic for MHC class II deficiency. Last evaluated: 2023-08-11. Review status: criteria provided, single submitter. Criteria: Invitae Variant Classification Sherloc (09022015). Collection method: clinical testing. Allele origin: germline.
Comment: In summary, the currently available evidence indicates that the variant is pathogenic, but additional data are needed to prove that conclusively. Therefore, this variant has been classified as Likely Pathogenic. Algorithms developed to predict the effect of sequence changes on RNA splicing suggest that this variant may disrupt the consensus splice site. This variant has not been reported in the literature in individuals affected with RFX5-related conditions. This variant is present in population databases (no rsID available, gnomAD 0.007%). This sequence change affects a donor splice site in intron 7 of the RFX5 gene. It is expected to disrupt RNA splicing. Variants that disrupt the donor or acceptor splice site typically lead to a loss of protein function (PMID: 16199547), and loss-of-function variants in RFX5 are known to be pathogenic (PMID: 7744245, 9401005, 10079298).

Literature cited by the submitters: PubMed 16199547; PubMed 7744245; PubMed 9401005; PubMed 10079298.

NM_001025603.2(RFX5):c.473+2T>C

Gene: RFX5 (regulatory factor X5; minus strand). Cytogenetic location: 1q21.3.
Variant type: single nucleotide variant.
Coding change: c.473+2T>C on transcript NM_001025603.2 (MANE Select); the canonical splice donor site of the intron after coding-DNA position 473, T replaced by C.
Molecular consequence: splice donor variant.
Genome position (GRCh38, 1-based): chr1:151,344,415, A>G on the plus strand (T>C on the coding strand, the complement: RFX5 is on the minus strand). VCF-style: chr1-151344415-A-G. GRCh37 (hg19) VCF-style: chr1-151316891-A-G.
Other names: c.353+2T>C (NM_001379419.1, NM_001379420.1); c.473+2T>C (NM_000449.4, NM_001379413.1, NM_001379417.1 and 5 more transcripts).
Identifiers: ClinVar variation 2784073 (VCV002784073.3), dbSNP rs1235319638, ClinGen allele CA341940967.